The following is an entry in ClinVar:

ClinVar aggregate classification (germline): Uncertain significance (1 of 4 stars; one submission).

Allele frequency attached by ClinVar (database versions not stated): ExAC 0.00002; gnomAD exomes 0.00002; TOPMed below 0.00001.

Submission:

Labcorp Genetics (formerly Invitae), Labcorp
Classification: Uncertain significance. Last evaluated: 2022-03-10. Review status: criteria provided, single submitter. Criteria: Invitae Variant Classification Sherloc (09022015). Collection method: clinical testing. Allele origin: germline.
Comment: This sequence change replaces glutamic acid, which is acidic and polar, with lysine, which is basic and polar, at codon 129 of the CABP4 protein (p.Glu129Lys). This variant is present in population databases (rs770245265, gnomAD 0.01%). This variant has not been reported in the literature in individuals affected with CABP4-related conditions. Algorithms developed to predict the effect of missense changes on protein structure and function are either unavailable or do not agree on the potential impact of this missense change (SIFT: "Deleterious"; PolyPhen-2: "Possibly Damaging"; Align-GVGD: "Class C0"). In summary, the available evidence is currently insufficient to determine the role of this variant in disease. Therefore, it has been classified as a Variant of Uncertain Significance.

NM_145200.5(CABP4):c.385G>A (p.Glu129Lys)

Gene: CABP4 (calcium binding protein 4; plus strand). Cytogenetic location: 11q13.2.
Variant type: single nucleotide variant.
Coding change: c.385G>A on transcript NM_145200.5 (MANE Select); coding-DNA position 385, G replaced by A.
Protein change: p.Glu129Lys; replaces glutamic acid 129 with lysine.
Molecular consequence: missense variant.
Genome position (GRCh38, 1-based): chr11:67,456,206, G>A. VCF-style: chr11-67456206-G-A. GRCh37 (hg19) VCF-style: chr11-67223677-G-A.
Other names: c.70G>A, p.Glu24Lys (NM_001300895.3, NM_001300896.3, NM_001379183.1); short protein forms E129K, E24K.
Identifiers: ClinVar variation 1363825 (VCV001363825.3), dbSNP rs770245265, ClinGen allele CA6140192.